The following is an entry in ClinVar:

NM_001367805.3(KIF23):c.1397G>A (p.Gly466Glu)

Gene: KIF23 (kinesin family member 23; plus strand). Cytogenetic location: 15q23.
Variant type: single nucleotide variant.
Coding change: c.1397G>A on transcript NM_001367805.3 (MANE Select); coding-DNA position 1397, G replaced by A.
Protein change: p.Gly466Glu; replaces glycine 466 with glutamic acid.
Molecular consequence: missense variant. On other transcripts: non-coding transcript variant (2).
Genome position (GRCh38, 1-based): chr15:69,436,220, G>A. VCF-style: chr15-69436220-G-A. GRCh37 (hg19) VCF-style: chr15-69728559-G-A.
Other names: c.1025G>A, p.Gly342Glu (NM_001281301.2); c.1355G>A, p.Gly452Glu (NM_001367804.2, NM_004856.7, NM_138555.4); short protein forms G342E, G466E, G452E.
Identifiers: ClinVar variation 2967288 (VCV002967288.3), dbSNP rs11557304, ClinGen allele CA7635167.

ClinVar aggregate classification (germline): Uncertain significance (1 of 4 stars; one submission).

Allele frequency attached by ClinVar (database versions not stated): TOPMed below 0.00001; ExAC 0.00001; gnomAD 0.00001; gnomAD exomes 0.00001.

Submission:

Labcorp Genetics (formerly Invitae), Labcorp
Classification: Uncertain significance. Last evaluated: 2023-08-06. Review status: criteria provided, single submitter. Criteria: Invitae Variant Classification Sherloc (09022015). Collection method: clinical testing. Allele origin: germline.
Comment: In summary, the available evidence is currently insufficient to determine the role of this variant in disease. Therefore, it has been classified as a Variant of Uncertain Significance. Advanced modeling of protein sequence and biophysical properties (such as structural, functional, and spatial information, amino acid conservation, physicochemical variation, residue mobility, and thermodynamic stability) performed at Invitae indicates that this missense variant is expected to disrupt KIF23 protein function. This variant has not been reported in the literature in individuals affected with KIF23-related conditions. This variant is present in population databases (rs11557304, gnomAD 0.0009%). This sequence change replaces glycine, which is neutral and non-polar, with glutamic acid, which is acidic and polar, at codon 452 of the KIF23 protein (p.Gly452Glu).